The following is an entry in ClinVar:

NM_001083962.2(TCF4):c.1135_1136insGT (p.Leu379fs)

Gene: TCF4 (transcription factor 4; minus strand). Cytogenetic location: 18q21.2.
Variant type: Insertion.
Coding change: c.1135_1136insGT on transcript NM_001083962.2 (MANE Select); coding-DNA positions 1135 to 1136, GT inserted.
Protein change: p.Leu379fs; shifts the reading frame from leucine 379.
Molecular consequence: frameshift variant.
Genome position: GRCh38 VCF-style: chr18-55257325-A-AAC. GRCh37 (hg19) VCF-style: chr18-52924556-A-AAC.
Other names: c.1441_1442insGT, p.Leu481fs (NM_001243226.3); c.1063_1064insGT, p.Leu355fs (NM_001243227.2, NM_001306207.1, NM_001348217.1 and 5 more transcripts); c.1153_1154insGT, p.Leu385fs (NM_001243228.2); c.1126_1127insGT, p.Leu376fs (NM_001243230.2); c.1009_1010insGT, p.Leu337fs (NM_001243231.2, NM_001348211.2); c.922_923insGT, p.Leu308fs (NM_001243232.1, NM_001306208.1); c.745_746insGT, p.Leu249fs (NM_001243233.2, NM_001330605.3, NM_001348212.2 and 1 more transcripts); c.655_656insGT, p.Leu219fs (NM_001243234.2, NM_001243235.2, NM_001243236.2 and 1 more transcripts); and 6 more; short protein forms L163fs, L219fs, L354fs, L376fs, L385fs, L218fs, L378fs, L379fs.
Identifiers: ClinVar variation 817505 (VCV000817505.2), dbSNP rs1600404016, ClinGen allele CA915951558.

ClinVar aggregate classification (germline): Pathogenic (1 of 4 stars; one submission).

Submission:

GeneDx
Classification: Pathogenic. Last evaluated: 2020-03-26. Review status: criteria provided, single submitter. Criteria: GeneDx Variant Classification Process June 2021. Collection method: clinical testing. Allele origin: germline. Affected: yes.
Comment: Frameshift variant predicted to result in protein truncation or nonsense mediated decay in a gene for which loss-of-function is a known mechanism of disease; Not observed in large population cohorts (Lek et al., 2016); Has not been previously published as pathogenic or benign to our knowledge